The following is an entry in ClinVar:

NM_015509.4(NECAP1):c.178C>T (p.Leu60Phe)

Gene: NECAP1 (NECAP endocytosis associated 1; plus strand). Cytogenetic location: 12p13.31.
Variant type: single nucleotide variant.
Coding change: c.178C>T on transcript NM_015509.4 (MANE Select); coding-DNA position 178, C replaced by T.
Protein change: p.Leu60Phe; replaces leucine 60 with phenylalanine.
Molecular consequence: missense variant. On other transcripts: non-coding transcript variant (1).
Genome position (GRCh38, 1-based): chr12:8,090,018, C>T. VCF-style: chr12-8090018-C-T. GRCh37 (hg19) VCF-style: chr12-8242614-C-T.
Other names: short protein forms L60F.
Identifiers: ClinVar variation 1469678 (VCV001469678.6), dbSNP rs1947528448, ClinGen allele CA383797050.
Genomic context (GRCh38, chr12:8,090,018, plus strand): 5'-CAGCCTGATTGGACTGGTCGCCTCCGAATCACTTCAAAAGGGAAGACTGCCTATATCAAA[C>T]TCGAGGATAAAGTTTCAGGTAATCTTTGCGGGTGACCCTCTAACATTAAGAATATTAATT-3'
Protein context (NP_056324.2, residues 50-70): TSKGKTAYIK[Leu60Phe]EDKVSGELFA

ClinVar aggregate classification (germline): Uncertain significance (1 of 4 stars; one submission).

Conditions:
Developmental and epileptic encephalopathy, 21 (DEE21). Also called: Early infantile epileptic encephalopathy 21. Identifiers: Orphanet 442835, MedGen C4014430, MONDO:0014360, OMIM 615833.

Allele frequency attached by ClinVar (database versions not stated): gnomAD exomes below 0.00001; TOPMed 0.00001.
gnomAD v4.1: 2 of 1,613,946 alleles (0.00012%); highest among the groups gnomAD compares: South Asian, 0.0022%; no homozygotes.

Submission:

Labcorp Genetics (formerly Invitae), Labcorp
Classification: Uncertain significance for Developmental and epileptic encephalopathy, 21. Last evaluated: 2020-12-20. Review status: criteria provided, single submitter. Criteria: Invitae Variant Classification Sherloc (09022015). Collection method: clinical testing. Allele origin: germline.
Comment: This sequence change replaces leucine with phenylalanine at codon 60 of the NECAP1 protein (p.Leu60Phe). The leucine residue is highly conserved and there is a small physicochemical difference between leucine and phenylalanine. In summary, the available evidence is currently insufficient to determine the role of this variant in disease. Therefore, it has been classified as a Variant of Uncertain Significance. Algorithms developed to predict the effect of missense changes on protein structure and function are either unavailable or do not agree on the potential impact of this missense change (SIFT: "Not Available"; PolyPhen-2: "Probably Damaging"; Align-GVGD: "Not Available"). This variant has not been reported in the literature in individuals with NECAP1-related conditions. This variant is not present in population databases (ExAC no frequency).